The following is an entry in ClinVar:

ClinVar aggregate classification (germline): Conflicting classifications of pathogenicity. Review status: criteria provided, conflicting classifications (1 of 4 stars). 5 submissions from 5 submitters: Uncertain significance (4); Likely benign (1). Last evaluated 2026-04-15.

Conditions:
Inborn genetic diseases. Identifiers: MedGen C0950123, MeSH D030342.
ACTN1-related disorder. Also called: ACTN1-related condition.

Allele frequency attached by ClinVar (database versions not stated): ExAC 0.00002; gnomAD exomes 0.00004; TOPMed 0.00005; gnomAD 0.00006.
gnomAD v4.1: 64 of 1,613,934 alleles (0.004%); highest among the groups gnomAD compares: Non-Finnish European, 0.0053%; no homozygotes.

Submissions (5):

PreventionGenetics, part of Exact Sciences
Classification: Uncertain significance for ACTN1-related condition. Last evaluated: 2026-04-15. Review status: criteria provided, single submitter. Criteria: ACMG Guidelines, 2015. Collection method: clinical testing. Allele origin: germline.
Comment: The ACTN1 c.560G>A variant is predicted to result in the amino acid substitution p.Arg187Gln. To our knowledge, this variant has not been reported in the literature. This variant is reported in 0.0062% of alleles in individuals of European (Non-Finnish) descent in gnomAD. At this time, the clinical significance of this variant is uncertain due to the absence of conclusive functional and genetic evidence.

Labcorp Genetics (formerly Invitae), Labcorp
Classification: Uncertain significance. Last evaluated: 2025-03-16. Review status: criteria provided, single submitter. Criteria: Invitae Variant Classification Sherloc (09022015). Collection method: clinical testing. Allele origin: germline.
Comment: This sequence change replaces arginine, which is basic and polar, with glutamine, which is neutral and polar, at codon 187 of the ACTN1 protein (p.Arg187Gln). The frequency data for this variant in the population databases is considered unreliable, as metrics indicate poor data quality at this position in the gnomAD database. This variant has not been reported in the literature in individuals affected with ACTN1-related conditions. ClinVar contains an entry for this variant (Variation ID: 2373612). Invitae Evidence Modeling of protein sequence and biophysical properties (such as structural, functional, and spatial information, amino acid conservation, physicochemical variation, residue mobility, and thermodynamic stability) indicates that this missense variant is expected to disrupt ACTN1 protein function with a positive predictive value of 80%. In summary, the available evidence is currently insufficient to determine the role of this variant in disease. Therefore, it has been classified as a Variant of Uncertain Significance.

CeGaT Center for Human Genetics Tuebingen
Classification: Uncertain significance. Last evaluated: 2024-03-01. Review status: criteria provided, single submitter. Criteria: CeGaT Center For Human Genetics Tuebingen Variant Classification Criteria Version 2. Collection method: clinical testing. Allele origin: germline. Affected: yes. Observed: 1 variant allele.
Comment: ACTN1: PP3

Ambry Genetics
Classification: Uncertain significance for Inborn genetic diseases. Last evaluated: 2021-08-23. Review status: criteria provided, single submitter. Criteria: Ambry Variant Classification Scheme 2023. Collection method: clinical testing. Allele origin: germline.

Blueprint Genetics
Classification: Likely benign. Last evaluated: 2020-08-03. Review status: criteria provided, single submitter. Criteria: ACMG Guidelines, 2015. Collection method: clinical testing. Allele origin: germline.

NM_001130004.2(ACTN1):c.560G>A (p.Arg187Gln)

Gene: ACTN1 (actinin alpha 1; minus strand). Cytogenetic location: 14q24.1.
Variant type: single nucleotide variant.
Coding change: c.560G>A on transcript NM_001130004.2 (MANE Select); coding-DNA position 560, G replaced by A.
Protein change: p.Arg187Gln; replaces arginine 187 with glutamine.
Molecular consequence: missense variant.
Genome position (GRCh38, 1-based): chr14:68,909,352, C>T on the plus strand (G>A on the coding strand, the complement: ACTN1 is on the minus strand). VCF-style: chr14-68909352-C-T. GRCh37 (hg19) VCF-style: chr14-69376069-C-T.
Other names: c.560G>A, p.Arg187Gln (NM_001102.4, NM_001130005.2, NM_001411035.1); c.365G>A, p.Arg122Gln (NM_001411036.1); short protein forms R187Q, R122Q.
Identifiers: ClinVar variation 2373612 (VCV002373612.26), dbSNP rs764254658, ClinGen allele CA7242656.
Genomic context (GRCh38, chr14:68,909,352, plus strand): 5'-GCGGGTGGTCAGGTGGGCACACATACCTTCCGCAGCTTCCCGTAGTCAATCAGCTCGGGC[C>T]GGTGTCGGTGGATCAAAGCACAGAAGCCGAGGCCATCCTTCCAGCTGCCCGGGGAGAGAG-3'
Protein context (NP_001123476.1, residues 177-197): LGFCALIHRH[Arg187Gln]PELIDYGKLR